The following is an entry in ClinVar:

ClinVar aggregate classification (germline): Likely benign (1 of 4 stars; one submission).

Conditions:
Woodhouse-Sakati syndrome. Also called: Hypogonadism, Alopecia, Diabetes Mellitus, Mental Retardation, and Extrapyramidal Syndrome; Hypogonadism, diabetes mellitus, alopecia, mental retardation and electrocardiographic abnormalities; EXTRAPYRAMIDAL DISORDER, PROGRESSIVE, WITH PRIMARY HYPOGONADISM, MENTAL RETARDATION, AND ALOPECIA. Identifiers: Orphanet 3464, MedGen C0342286, MONDO:0009419, OMIM 241080.

Allele frequency attached by ClinVar (database versions not stated): ExAC 0.00019; 1000 Genomes Project 30x 0.00375; gnomAD 0.00417 and 0.00383; 1000 Genomes Project 0.00319; TOPMed 0.00444.
gnomAD v4.1: 746 of 453,320 alleles (0.16%); highest among the groups gnomAD compares: African/African-American, 1.3%; 7 homozygotes.

Submission:

Illumina Laboratory Services, Illumina
Classification: Likely benign for Woodhouse-Sakati syndrome. Last evaluated: 2018-01-12. Review status: criteria provided, single submitter. Criteria: ICSL Variant Classification Criteria 13 December 2019. Collection method: clinical testing. Allele origin: germline.
Comment: This variant was observed in the ICSL laboratory as part of a predisposition screen in an ostensibly healthy population. It had not been previously curated by ICSL or reported in the Human Gene Mutation Database (HGMD: prior to June 1st, 2018), and was therefore a candidate for classification through an automated scoring system. Utilizing variant allele frequency, disease prevalence and penetrance estimates, and inheritance mode, an automated score was calculated to assess if this variant is too frequent to cause the disease. Based on the score and internal cut-off values, a variant classified as likely benign is not then subjected to further curation. The score for this variant resulted in a classification of likely benign for this disease.

NM_025000.4(DCAF17):c.*677C>A

Gene: DCAF17 (DDB1 and CUL4 associated factor 17; plus strand). Cytogenetic location: 2q31.1.
Variant type: single nucleotide variant.
Coding change: c.*677C>A on transcript NM_025000.4 (MANE Select); 677 bases downstream of the stop codon, C replaced by A.
Molecular consequence: 3 prime UTR variant. On other transcripts: non-coding transcript variant (1).
Genome position (GRCh38, 1-based): chr2:171,481,791, C>A. VCF-style: chr2-171481791-C-A. GRCh37 (hg19) VCF-style: chr2-172338301-C-A.
Other names: c.*677C>A (NM_001164821.2).
Identifiers: ClinVar variation 332282 (VCV000332282.5), dbSNP rs115798465, ClinGen allele CA1965048.